The following is an entry in ClinVar:

NM_012210.4(TRIM32):c.693A>C (p.Ala231=)

Genes: ASTN2 (astrotactin 2; minus strand), TRIM32 (tripartite motif containing 32; plus strand). Cytogenetic location: 9q33.1.
Variant type: single nucleotide variant.
Coding change: c.693A>C on transcript NM_012210.4 (MANE Select); coding-DNA position 693, A replaced by C.
Protein change: p.Ala231=; no amino-acid change (alanine 231 retained).
Molecular consequence: synonymous variant. On other transcripts: intron variant (3).
Genome position (GRCh38, 1-based): chr9:116,698,435, A>C. VCF-style: chr9-116698435-A-C. GRCh37 (hg19) VCF-style: chr9-119460714-A-C.
Other names: c.693A>C, p.Ala231= (NM_001099679.2, NM_001379048.1, NM_001379049.1 and 1 more transcripts); c.2653+27336T>G (NM_014010.5); c.2794+27336T>G (NM_001365069.1); c.2806+27336T>G (NM_001365068.1).
Identifiers: ClinVar variation 290448 (VCV000290448.14), dbSNP rs368455215, ClinGen allele CA5211025.
Genomic context (GRCh38, chr9:116,698,435, plus strand): 5'-TGAAGTTGAGAAGTCCAATAGTCAAGTGGTAGAGGAGCAGAGTTACCTGCTTAACATTGC[A>C]GAGGTGCAGGCTGTGTCTCGCTGTGACTACTTCCTGGCCAAGATCAAGCAGGCAGATGTA-3'
Protein context (NP_036342.2, residues 221-241): VEEQSYLLNI[Ala231=]EVQAVSRCDY

ClinVar aggregate classification (germline): Conflicting classifications of pathogenicity. Review status: criteria provided, conflicting classifications (1 of 4 stars). 5 submissions from 5 submitters: Uncertain significance (1); Likely benign (4). Last evaluated 2025-08-27.

Conditions:
TRIM32-related disorder. Also called: TRIM32-related condition.
Bardet-Biedl syndrome (BBS). Identifiers: Orphanet 110, MedGen C0752166, MONDO:0015229.

Allele frequency attached by ClinVar (database versions not stated): ExAC 0.00002; gnomAD exomes 0.00002; TOPMed 0.00002; gnomAD 0.00005; ESP Exome Variant Server 0.00008.
gnomAD v4.1: 43 of 1,613,988 alleles (0.0027%); highest among the groups gnomAD compares: Non-Finnish European, 0.0023%; no homozygotes.

Submissions (5):

PreventionGenetics, part of Exact Sciences
Classification: Likely benign for TRIM32-related condition. Last evaluated: 2025-08-27. Review status: criteria provided, single submitter. Criteria: ACMG Guidelines, 2015. Collection method: clinical testing. Allele origin: germline.
Comment: This variant is classified as likely benign based on ACMG/AMP sequence variant interpretation guidelines (Richards et al. 2015 PMID: 25741868, with internal and published modifications).

Labcorp Genetics (formerly Invitae), Labcorp
Classification: Likely benign for Bardet-Biedl syndrome. Last evaluated: 2025-08-02. Review status: criteria provided, single submitter. Criteria: Invitae Variant Classification Sherloc (09022015). Collection method: clinical testing. Allele origin: germline.

Blueprint Genetics
Classification: Likely benign. Last evaluated: 2020-06-15. Review status: criteria provided, single submitter. Criteria: ACMG Guidelines, 2015. Collection method: clinical testing. Allele origin: germline.

Athena Diagnostics
Classification: Likely benign. Last evaluated: 2017-06-09. Review status: criteria provided, single submitter. Criteria: Athena Diagnostics Criteria. Collection method: clinical testing. Allele origin: germline.

Eurofins Ntd Llc (ga)
Classification: Uncertain significance. Last evaluated: 2016-08-31. Review status: criteria provided, single submitter. Criteria: EGL Classification Definitions 2015. Collection method: clinical testing. Allele origin: germline. Observed: 1 variant allele, 1 heterozygote.